The following is an entry in ClinVar:

NM_015922.3(NSDHL):c.398A>G (p.Lys133Arg)

Gene: NSDHL (NAD(P) dependent 3-beta-hydroxysteroid dehydrogenase NSDHL; plus strand). Cytogenetic location: Xq28.
Variant type: single nucleotide variant.
Coding change: c.398A>G on transcript NM_015922.3 (MANE Select); coding-DNA position 398, A replaced by G.
Protein change: p.Lys133Arg; replaces lysine 133 with arginine.
Molecular consequence: missense variant.
Genome position (GRCh38, 1-based): chrX:152,858,900, A>G. VCF-style: chrX-152858900-A-G. GRCh37 (hg19) VCF-style: chrX-152027444-A-G.
Other names: c.398A>G, p.Lys133Arg (NM_001129765.2); short protein forms K133R.
Identifiers: ClinVar variation 2404943 (VCV002404943.4), dbSNP rs1556847253, ClinGen allele CA415285053.
Genomic context (GRCh38, chrX:152,858,900, plus strand): 5'-ACAAGGAGCTCTTTTATAGAGTGAATTACATTGGCACCAAGAATGTCATTGAAACTTGCA[A>G]AGAGGCTGGGGTTCAGGTAAGGGGAAGGCTGGAGTGAGTGCTGTCAGGAGCACGTGATGG-3'
Protein context (NP_057006.1, residues 123-143): IGTKNVIETC[Lys133Arg]EAGVQKLILT

ClinVar aggregate classification (germline): Uncertain significance. Review status: criteria provided, multiple submitters, no conflicts (2 of 4 stars). 2 submissions from 2 submitters: Uncertain significance (2). Last evaluated 2025-12-21.

Conditions:
Inborn genetic diseases. Identifiers: MedGen C0950123, MeSH D030342.

Submissions (2):

GeneDx
Classification: Uncertain significance. Last evaluated: 2025-12-21. Review status: criteria provided, single submitter. Criteria: GeneDx Variant Classification Process June 2021. Collection method: clinical testing. Allele origin: germline.
Comment: Not observed at significant frequency in large population cohorts (gnomAD); In silico analysis suggests that this missense variant does not alter protein structure/function; Has not been previously published as pathogenic or benign to our knowledge

Ambry Genetics
Classification: Uncertain significance for Inborn genetic diseases. Last evaluated: 2022-11-21. Review status: criteria provided, single submitter. Criteria: Ambry Variant Classification Scheme 2023. Collection method: clinical testing. Allele origin: germline.